The following is an entry in ClinVar:

ClinVar aggregate classification (germline): Uncertain significance (1 of 4 stars; one submission).

Allele frequency attached by ClinVar (database versions not stated): gnomAD exomes below 0.00001.
gnomAD v4.1: 1 of 1,613,952 alleles (0.000062%); highest among the groups gnomAD compares: South Asian, 0.0011%; no homozygotes.

Submission:

Women's Health and Genetics/Laboratory Corporation of America, LabCorp
Classification: Uncertain significance. Last evaluated: 2024-01-02. Review status: criteria provided, single submitter. Criteria: LabCorp Variant Classification Summary - May 2015. Collection method: clinical testing. Allele origin: germline.
Comment: Variant summary: CNNM2 c.2019A>C (p.Glu673Asp) results in a conservative amino acid change in the encoded protein sequence. Four of five in-silico tools predict a benign effect of the variant on protein function. The variant was absent in 249594 control chromosomes (gnomAD). The available data on variant occurrences in the general population are insufficient to allow any conclusion about variant significance. To our knowledge, no occurrence of c.2019A>C in individuals affected with CNNM2-Related Disorders and no experimental evidence demonstrating its impact on protein function have been reported. No submitters have cited clinical-significance assessments for this variant to ClinVar after 2014. Based on the evidence outlined above, the variant was classified as uncertain significance.

NM_017649.5(CNNM2):c.2019A>C (p.Glu673Asp)

Gene: CNNM2 (cyclin and CBS domain divalent metal cation transport mediator 2; plus strand). Cytogenetic location: 10q24.32.
Variant type: single nucleotide variant.
Coding change: c.2019A>C on transcript NM_017649.5 (MANE Select); coding-DNA position 2019, A replaced by C.
Protein change: p.Glu673Asp; replaces glutamic acid 673 with aspartic acid.
Molecular consequence: missense variant.
Genome position (GRCh38, 1-based): chr10:103,056,910, A>C. VCF-style: chr10-103056910-A-C. GRCh37 (hg19) VCF-style: chr10-104816667-A-C.
Other names: c.2019A>C, p.Glu673Asp (NM_199076.3); short protein forms E673D.
Identifiers: ClinVar variation 3063962 (VCV003063962.1), dbSNP rs2493637132, ClinGen allele CA377960487.